The following is an entry in ClinVar:

ClinVar aggregate classification (germline): Uncertain significance (1 of 4 stars; one submission).

Conditions:
Wilson disease (WND). Also called: Wilson's disease. Identifiers: Orphanet 905, MedGen C0019202, MONDO:0010200, OMIM 277900. Disease mechanism: loss of function.

Submission:

Labcorp Genetics (formerly Invitae), Labcorp
Classification: Uncertain significance for Wilson disease. Last evaluated: 2022-08-06. Review status: criteria provided, single submitter. Criteria: Invitae Variant Classification Sherloc (09022015). Collection method: clinical testing. Allele origin: germline.
Comment: In summary, the available evidence is currently insufficient to determine the role of this variant in disease. Therefore, it has been classified as a Variant of Uncertain Significance. This sequence change replaces glutamine, which is neutral and polar, with lysine, which is basic and polar, at codon 1372 of the ATP7B protein (p.Gln1372Lys). This variant is not present in population databases (gnomAD no frequency). This variant has not been reported in the literature in individuals affected with ATP7B-related conditions. Algorithms developed to predict the effect of missense changes on protein structure and function (SIFT, PolyPhen-2, Align-GVGD) all suggest that this variant is likely to be tolerated.

NM_000053.4(ATP7B):c.4114C>A (p.Gln1372Lys)

Gene: ATP7B (ATPase copper transporting beta; minus strand). Cytogenetic location: 13q14.3.
Variant type: single nucleotide variant.
Coding change: c.4114C>A on transcript NM_000053.4 (MANE Select); coding-DNA position 4114, C replaced by A.
Protein change: p.Gln1372Lys; replaces glutamine 1372 with lysine.
Molecular consequence: missense variant.
Genome position (GRCh38, 1-based): chr13:51,935,603, G>T on the plus strand (C>A on the coding strand, the complement: ATP7B is on the minus strand). VCF-style: chr13-51935603-G-T. GRCh37 (hg19) VCF-style: chr13-52509739-G-T.
Other names: c.3493C>A, p.Gln1165Lys (NM_001005918.3); c.3781C>A, p.Gln1261Lys (NM_001243182.2); c.3880C>A, p.Gln1294Lys (NM_001330578.2, NM_001406527.1, NM_001406528.1); c.3862C>A, p.Gln1288Lys (NM_001330579.2, NM_001406531.1, NM_001406532.1); c.4114C>A, p.Gln1372Lys (NM_001406511.1, NM_001406512.1); c.4108C>A, p.Gln1370Lys (NM_001406513.1); c.4081C>A, p.Gln1361Lys (NM_001406514.1); c.4060C>A, p.Gln1354Lys (NM_001406515.1, NM_001406516.1); and 21 more; short protein forms Q1091K, Q1145K, Q1156K, Q1165K, Q1178K, Q1208K, Q1210K, Q1223K.
Identifiers: ClinVar variation 1715363 (VCV001715363.5), dbSNP rs755584106, ClinGen allele CA250072100.